The following is an entry in ClinVar:

ClinVar aggregate classification (germline): Benign/Likely benign. Review status: criteria provided, multiple submitters, no conflicts (2 of 4 stars). 9 submissions from 9 submitters: Benign (3); Likely benign (5). 1 of the submissions does not count toward it. Last evaluated 2026-01-11.

Conditions:
ANKRD26-related disorder. Also called: ANKRD26-related condition.
Inborn genetic diseases. Identifiers: MedGen C0950123, MeSH D030342.
Thrombocytopenia 2 (THC2). Also called: ANKRD26-Related Thrombocytopenia. Identifiers: Orphanet 268322, MedGen C1861185, MONDO:0008555, OMIM 188000.

Allele frequency attached by ClinVar (database versions not stated): 1000 Genomes Project 30x 0.00016; 1000 Genomes Project 0.00020; TOPMed 0.00036; gnomAD exomes 0.00042; ESP Exome Variant Server 0.00043; ExAC 0.00044; gnomAD 0.00044 and 0.00046.
gnomAD v4.1: 925 of 1,539,652 alleles (0.06%); highest among the groups gnomAD compares: Non-Finnish European, 0.074%; no homozygotes.

Submissions (9):

Labcorp Genetics (formerly Invitae), Labcorp
Classification: Benign. Last evaluated: 2026-01-11. Review status: criteria provided, single submitter. Criteria: Invitae Variant Classification Sherloc (09022015). Collection method: clinical testing. Allele origin: germline.

Mayo Clinic Laboratories, Mayo Clinic
Classification: Likely benign. Last evaluated: 2024-12-26. Review status: criteria provided, single submitter. Criteria: ACMG Guidelines, 2015. Collection method: clinical testing. Allele origin: germline. Observed: 1 variant allele.
Comment: BP4, BP7

Ambry Genetics
Classification: Likely benign for Inborn genetic diseases. Last evaluated: 2024-11-18. Review status: criteria provided, single submitter. Criteria: Ambry Variant Classification Scheme 2023. Collection method: clinical testing. Allele origin: germline.

Blueprint Genetics
Classification: Likely benign. Last evaluated: 2024-11-18. Review status: criteria provided, single submitter. Criteria: ACMG Guidelines, 2015. Collection method: clinical testing. Allele origin: germline.

CeGaT Center for Human Genetics Tuebingen
Classification: Likely benign. Last evaluated: 2024-01-01. Review status: criteria provided, single submitter. Criteria: CeGaT Center For Human Genetics Tuebingen Variant Classification Criteria Version 2. Collection method: clinical testing. Allele origin: germline. Affected: yes. Observed: 1 variant allele.
Comment: ANKRD26: BP4, BP7

Genome-Nilou Lab
Classification: Benign for Thrombocytopenia 2. Last evaluated: 2021-12-05. Review status: criteria provided, single submitter. Criteria: ACMG Guidelines, 2015. Collection method: clinical testing. Allele origin: germline. Affected: no.

Genetic Services Laboratory, University of Chicago
Classification: Likely benign. Last evaluated: 2021-10-04. Review status: criteria provided, single submitter. Criteria: ACMG Guidelines, 2015. Collection method: clinical testing. Allele origin: germline. Affected: no.

Illumina Laboratory Services, Illumina
Classification: Benign for Thrombocytopenia 2. Last evaluated: 2018-01-13. Review status: criteria provided, single submitter. Criteria: ICSL Variant Classification Criteria 13 December 2019. Collection method: clinical testing. Allele origin: germline.
Comment: This variant was observed in the ICSL laboratory as part of a predisposition screen in an ostensibly healthy population. It had not been previously curated by ICSL or reported in the Human Gene Mutation Database (HGMD: prior to June 1st, 2018), and was therefore a candidate for classification through an automated scoring system. Utilizing variant allele frequency, disease prevalence and penetrance estimates, and inheritance mode, an automated score was calculated to assess if this variant is too frequent to cause the disease. Based on the score and internal cut-off values, a variant classified as benign is not then subjected to further curation. The score for this variant resulted in a classification of benign for this disease.

PreventionGenetics, part of Exact Sciences
Classification: Likely benign for ANKRD26-related condition. Last evaluated: 2021-07-26. Review status: no assertion criteria provided. Collection method: clinical testing. Allele origin: germline. Not counted in ClinVar's aggregate classification.
Comment: This variant is classified as likely benign based on ACMG/AMP sequence variant interpretation guidelines (Richards et al. 2015 PMID: 25741868, with internal and published modifications).

NM_014915.3(ANKRD26):c.4188T>C (p.Asp1396=)

Gene: ANKRD26 (ankyrin repeat domain 26; minus strand). Cytogenetic location: 10p12.1.
Variant type: single nucleotide variant.
Coding change: c.4188T>C on transcript NM_014915.3 (MANE Select); coding-DNA position 4188, T replaced by C.
Protein change: p.Asp1396=; no amino-acid change (aspartic acid 1396 retained).
Molecular consequence: synonymous variant.
Genome position (GRCh38, 1-based): chr10:27,022,585, A>G on the plus strand (T>C on the coding strand, the complement: ANKRD26 is on the minus strand). VCF-style: chr10-27022585-A-G. GRCh37 (hg19) VCF-style: chr10-27311514-A-G.
Other names: p.Asp1396=; c.4185T>C, p.Asp1395= (NM_001256053.2).
Identifiers: ClinVar variation 299731 (VCV000299731.39), dbSNP rs199589035, ClinGen allele CA5447837.
Genomic context (GRCh38, chr10:27,022,585, plus strand): 5'-ACTTTTTTGGTCCCAAAACTTATTAAAAATTACCTTATGTTTTAGCTTATTAATCTGAAT[A>G]TCCATTTCAAATTGACTAGTTTTTAAATCTCCATGGAAACTAAATTCTCCATTTTCATAT-3'
Protein context (NP_055730.2, residues 1386-1406): GDLKTSQFEM[Asp1396=]IQINKLKHKI